The following is an entry in ClinVar:

NM_001273.5(CHD4):c.3308A>C (p.Asn1103Thr)

Gene: CHD4 (chromodomain helicase DNA binding protein 4; minus strand). Cytogenetic location: 12p13.31.
Variant type: single nucleotide variant.
Coding change: c.3308A>C on transcript NM_001273.5 (MANE Select); coding-DNA position 3308, A replaced by C.
Protein change: p.Asn1103Thr; replaces asparagine 1103 with threonine.
Molecular consequence: missense variant.
Genome position (GRCh38, 1-based): chr12:6,591,498, T>G on the plus strand (A>C on the coding strand, the complement: CHD4 is on the minus strand). VCF-style: chr12-6591498-T-G. GRCh37 (hg19) VCF-style: chr12-6700664-T-G.
Other names: c.3287A>C, p.Asn1096Thr (NM_001297553.2); c.3269A>C, p.Asn1090Thr (NM_001363606.2); short protein forms N1096T, N1090T, N1103T.
Identifiers: ClinVar variation 1033398 (VCV001033398.1), dbSNP rs1948400115, ClinGen allele CA383584974.

ClinVar aggregate classification (germline): Uncertain significance (1 of 4 stars; one submission).

Conditions:
Sifrim-Hitz-Weiss syndrome (SIHIWES). Also called: CHD4 Neurodevelopmental Disorder; SIFRIM-HITZ-WEISS MULTIPLE CONGENITAL ANOMALIES-MENTAL RETARDATION SYNDROME. Identifiers: Orphanet 653712, MedGen C4310688, MONDO:0014946, OMIM 617159.

Submission:

Baylor Genetics
Classification: Uncertain significance for Sifrim-Hitz-Weiss syndrome. Last evaluated: 2018-01-18. Review status: criteria provided, single submitter. Criteria: ACMG Guidelines, 2015. Collection method: clinical testing. Allele origin: paternal. Affected: yes.
Comment: This variant was determined to be of uncertain significance according to ACMG Guidelines, 2015 [PMID:25741868].